The following is an entry in ClinVar:

NM_001321075.3(DLG4):c.1423C>T (p.Arg475Trp)

Gene: DLG4 (discs large MAGUK scaffold protein 4; minus strand). Cytogenetic location: 17p13.1.
Variant type: single nucleotide variant.
Coding change: c.1423C>T on transcript NM_001321075.3 (MANE Select); coding-DNA position 1423, C replaced by T.
Protein change: p.Arg475Trp; replaces arginine 475 with tryptophan.
Molecular consequence: missense variant. On other transcripts: non-coding transcript variant (1).
Genome position (GRCh38, 1-based): chr17:7,194,374, G>A on the plus strand (C>T on the coding strand, the complement: DLG4 is on the minus strand). VCF-style: chr17-7194374-G-A. GRCh37 (hg19) VCF-style: chr17-7097693-G-A.
Other names: c.1414C>T, p.Arg472Trp (NM_001128827.4); c.1543C>T, p.Arg515Trp (NM_001321074.1); c.1243C>T, p.Arg415Trp (NM_001321076.3, NM_001321077.3); c.1552C>T, p.Arg518Trp (NM_001365.5); c.1342C>T, p.Arg448Trp (NM_001369566.3); short protein forms R415W, R448W, R472W, R475W, R515W, R518W.
Identifiers: ClinVar variation 2500480 (VCV002500480.2), dbSNP rs1431337727, ClinGen allele CA397715632.

ClinVar aggregate classification (germline): Uncertain significance (1 of 4 stars; one submission).

Allele frequency attached by ClinVar (database versions not stated): gnomAD exomes below 0.00001; TOPMed below 0.00001.
gnomAD v4.1: 4 of 1,612,346 alleles (0.00025%); highest among the groups gnomAD compares: Non-Finnish European, 0.00034%; no homozygotes.

Submission:

GeneDx
Classification: Uncertain significance. Last evaluated: 2023-06-06. Review status: criteria provided, single submitter. Criteria: GeneDx Variant Classification Process June 2021. Collection method: clinical testing. Allele origin: germline.
Comment: Not observed at significant frequency in large population cohorts (gnomAD); In silico analysis supports that this missense variant has a deleterious effect on protein structure/function; In silico analysis supports a deleterious effect on splicing; Has not been previously published as pathogenic or benign to our knowledge